The following is an entry in ClinVar:

NM_031421.5(ODAD4):c.459+1G>A

Gene: ODAD4 (outer dynein arm docking complex subunit 4; plus strand). Cytogenetic location: 17q21.2.
Variant type: single nucleotide variant.
Coding change: c.459+1G>A on transcript NM_031421.5 (MANE Select); the canonical splice donor site of the intron after coding-DNA position 459, G replaced by A.
Molecular consequence: splice donor variant.
Genome position (GRCh38, 1-based): chr17:41,936,535, G>A. VCF-style: chr17-41936535-G-A. GRCh37 (hg19) VCF-style: chr17-40092788-G-A.
Other names: c.459+1G>A (NM_001350319.2).
Identifiers: ClinVar variation 2631366 (VCV002631366.3), dbSNP rs1555637830, ClinGen allele CA399532551.
Genomic context (GRCh38, chr17:41,936,535, plus strand): 5'-CCTTCTTCCATTAAGCTGGAGAACAAAGGGGACCTCTCCTTCTTAAGCAAGCAGGCTGAG[G>A]TAAGGGCCCTGGTTCTGTGGTTGTATCCCTCCAAGGGAAGAGGCTATGTGTGCCTGAGAA-3'

ClinVar aggregate classification (germline): Pathogenic (0 of 4 stars; one submission).

Conditions:
ODAD4-related disorder. Also called: ODAD4-related condition.

gnomAD v4.1: 2 of 1,612,216 alleles (0.00012%); highest among the groups gnomAD compares: Non-Finnish European, 0.00017%; no homozygotes.

Submission:

PreventionGenetics, part of Exact Sciences
Classification: Pathogenic for ODAD4-related condition. Last evaluated: 2024-02-07. Review status: no assertion criteria provided. Collection method: clinical testing. Allele origin: germline.
Comment: The ODAD4 c.459+1G>A variant is predicted to disrupt the GT donor site and interfere with normal splicing. To our knowledge, this variant has not been reported in the literature. This variant is reported in 0.00089% of alleles in individuals of European (Non-Finnish) descent in gnomAD. Variants that disrupt the consensus splice donor site in ODAD4 are expected to be pathogenic. This variant is interpreted as pathogenic.